The following is an entry in ClinVar:

NM_001363711.2(DUOX2):c.3667del (p.His1223fs)

Gene: DUOX2 (dual oxidase 2; minus strand). Cytogenetic location: 15q21.1.
Variant type: Deletion.
Coding change: c.3667del on transcript NM_001363711.2 (MANE Select); coding-DNA position 3667, one base deleted (C; older notation c.3667delC).
Protein change: p.His1223fs; shifts the reading frame from histidine 1223.
Molecular consequence: frameshift variant.
Genome position (GRCh38, 1-based): chr15:45,097,640, G deleted on the plus strand (C on the coding strand, the reverse complement: DUOX2 is on the minus strand); the first of 2 consecutive G bases (chr15:45,097,640-45,097,641); deleting either gives the same sequence. VCF-style (leftmost placement, unchanged base first): chr15-45097639-TG-T. GRCh37 (hg19) VCF-style: chr15-45389837-TG-T.
Other names: c.3667del, p.His1223fs (NM_014080.5); c.3667delC (NM_014080.4, NM_014080.5); short protein forms H1223fs.
Identifiers: ClinVar variation 632237 (VCV000632237.15), dbSNP rs754179275, ClinGen allele CA7537775.
Genomic context (GRCh38, chr15:45,097,639, plus strand): 5'-CCTGCTCCATGGGCTGGCCCAGGGAAGTCCCTCACCAGGGCATAGAGCAGGATGTAGAGG[TG>T]GTGGGTCAGCCAGAAGCCCCGGAAGCTGCGGCGGCGGAAGTGGTGGGAGGCGAAGACATA-3'

ClinVar aggregate classification (germline): Pathogenic/Likely pathogenic. Review status: criteria provided, multiple submitters, no conflicts (2 of 4 stars). 5 submissions from 5 submitters: Pathogenic (3); Likely pathogenic (2). Last evaluated 2026-01-12.

Conditions:
DUOX2-related disorders.
Thyroid dyshormonogenesis 6 (TDH6). Also called: HYPOTHYROIDISM, CONGENITAL, DUE TO DYSHORMONOGENESIS, 6; THYROID HORMONOGENESIS, GENETIC DEFECT IN, 6; Genetic transient congenital hypothyroidism. Identifiers: Orphanet 226316, Orphanet 95716, MedGen C1846632, MONDO:0011792, OMIM 607200.

Submissions (5):

Labcorp Genetics (formerly Invitae), Labcorp
Classification: Pathogenic. Last evaluated: 2026-01-12. Review status: criteria provided, single submitter. Criteria: Invitae Variant Classification Sherloc (09022015). Collection method: clinical testing. Allele origin: germline.
Comment: This sequence change creates a premature translational stop signal (p.His1223Thrfs*18) in the DUOX2 gene. It is expected to result in an absent or disrupted protein product. Loss-of-function variants in DUOX2 are known to be pathogenic (PMID: 12110737, 18765513, 21565790, 24423310, 24735383). This variant is present in population databases (rs754179275, gnomAD 0.01%). This premature translational stop signal has been observed in individual(s) with congenital hypothyroidism (PMID: 29650690). ClinVar contains an entry for this variant (Variation ID: 632237). For these reasons, this variant has been classified as Pathogenic.

Women's Health and Genetics/Laboratory Corporation of America, LabCorp
Classification: Pathogenic for Thyroid dyshormonogenesis 6. Last evaluated: 2025-12-22. Review status: criteria provided, single submitter. Criteria: LabCorp Variant Classification Summary - May 2015. Collection method: clinical testing. Allele origin: germline.
Comment: Variant summary: DUOX2 c.3667delC (p.His1223ThrfsX18) results in a premature termination codon, predicted to cause a truncation of the encoded protein or absence of the protein due to nonsense mediated decay, which are commonly known mechanisms for disease. The variant allele was found at a frequency of 6.4e-05 in 251392 control chromosomes. This frequency is not significantly higher than estimated for disease-causing variants in DUOX2, allowing no conclusion about variant significance. c.3667delC has been observed in individual(s) affected with Thyroid Dyshormonogenesis 6 (e.g., Levaillant_2023, Sun_2018). At least one publication reports experimental evidence evaluating an impact on protein function (Sun_2021). The most pronounced variant effect results in undectable activity compared to wild-type. The following publications have been ascertained in the context of this evaluation (PMID: 34564849, 36884306, 29650690). ClinVar contains an entry for this variant (Variation ID: 632237). Based on the evidence outlined above, the variant was classified as pathogenic.

GeneDx
Classification: Pathogenic. Last evaluated: 2025-04-03. Review status: criteria provided, single submitter. Criteria: GeneDx Variant Classification Process June 2021. Collection method: clinical testing. Allele origin: germline.
Comment: Frameshift variant predicted to result in protein truncation or nonsense mediated decay in a gene for which loss of function is a known mechanism of disease; Published functional studies demonstrate a damaging effect on protein activity (PMID: 34564849); This variant is associated with the following publications: (PMID: 34200080, 29650690, 34564849, 36884306, 33651715)

Fulgent Genetics
Classification: Likely pathogenic for Thyroid dyshormonogenesis 6. Last evaluated: 2024-01-23. Review status: criteria provided, single submitter. Criteria: ACMG Guidelines, 2015. Collection method: clinical testing. Allele origin: germline.

Blueprint Genetics
Classification: Likely pathogenic for DUOX2-related disorders. Last evaluated: 2019-10-15. Review status: criteria provided, single submitter. Criteria: ACMG Guidelines, 2015. Collection method: clinical testing. Allele origin: germline. Affected: yes. Observed: 2 variant alleles.

Literature cited by the submitters: PubMed 12110737 (cited by Labcorp Genetics (formerly Invitae), Labcorp); PubMed 18765513 (cited by Labcorp Genetics (formerly Invitae), Labcorp); PubMed 21565790 (cited by Labcorp Genetics (formerly Invitae), Labcorp); PubMed 24423310 (cited by Labcorp Genetics (formerly Invitae), Labcorp); PubMed 24735383 (cited by Labcorp Genetics (formerly Invitae), Labcorp); PubMed 29650690 (cited by Labcorp Genetics (formerly Invitae), Labcorp and Women's Health and Genetics/Laboratory Corporation of America, LabCorp); PubMed 34564849 (cited by Women's Health and Genetics/Laboratory Corporation of America, LabCorp); PubMed 36884306 (cited by Women's Health and Genetics/Laboratory Corporation of America, LabCorp).